The following is an entry in ClinVar:

ClinVar aggregate classification (germline): Likely benign (0 of 4 stars; one submission).

Conditions:
DYNC2I2-related disorder. Also called: DYNC2I2-related condition.

Allele frequency attached by ClinVar (database versions not stated): gnomAD exomes 0.00001; TOPMed 0.00002; ExAC 0.00003; gnomAD 0.00005.
gnomAD v4.1: 25 of 1,610,668 alleles (0.0016%); highest among the groups gnomAD compares: African/African-American, 0.008%; no homozygotes.

Submission:

PreventionGenetics, part of Exact Sciences
Classification: Likely benign for DYNC2I2-related condition. Last evaluated: 2019-02-22. Review status: no assertion criteria provided. Collection method: clinical testing. Allele origin: germline.
Comment: This variant is classified as likely benign based on ACMG/AMP sequence variant interpretation guidelines (Richards et al. 2015 PMID: 25741868, with internal and published modifications).

NM_052844.4(DYNC2I2):c.*8C>T

Gene: DYNC2I2 (dynein 2 intermediate chain 2; minus strand). Cytogenetic location: 9q34.11.
Variant type: single nucleotide variant.
Coding change: c.*8C>T on transcript NM_052844.4 (MANE Select); 8 bases downstream of the stop codon, C replaced by T.
Molecular consequence: 3 prime UTR variant.
Genome position (GRCh38, 1-based): chr9:128,633,736, G>A on the plus strand (C>T on the coding strand, the complement: DYNC2I2 is on the minus strand). VCF-style: chr9-128633736-G-A. GRCh37 (hg19) VCF-style: chr9-131396015-G-A.
Identifiers: ClinVar variation 3057883 (VCV003057883.2), dbSNP rs776197142, ClinGen allele CA5266142.